The following is an entry in ClinVar:

ClinVar aggregate classification (germline): Uncertain significance (1 of 4 stars; one submission).

Submission:

GeneDx
Classification: Uncertain significance. Last evaluated: 2024-02-08. Review status: criteria provided, single submitter. Criteria: GeneDx Variant Classification Process June 2021. Collection method: clinical testing. Allele origin: germline. Affected: yes.
Comment: Not observed at significant frequency in large population cohorts (gnomAD); In silico analysis supports that this missense variant does not alter protein structure/function; Has not been previously published as pathogenic or benign to our knowledge

NM_207037.2(TCF12):c.1619C>G (p.Thr540Arg)

Gene: TCF12 (transcription factor 12; plus strand). Cytogenetic location: 15q21.3.
Variant type: single nucleotide variant.
Coding change: c.1619C>G on transcript NM_207037.2 (MANE Select); coding-DNA position 1619, C replaced by G.
Protein change: p.Thr540Arg; replaces threonine 540 with arginine.
Molecular consequence: missense variant.
Genome position (GRCh38, 1-based): chr15:57,263,148, C>G. VCF-style: chr15-57263148-C-G. GRCh37 (hg19) VCF-style: chr15-57555346-C-G.
Other names: c.1109C>G, p.Thr370Arg (NM_001306219.3); c.839C>G, p.Thr280Arg (NM_001306220.3); c.1619C>G, p.Thr540Arg (NM_001322151.2, NM_001322152.2, NM_001322159.3 and 2 more transcripts); c.962C>G, p.Thr321Arg (NM_001322154.2); c.1445C>G, p.Thr482Arg (NM_001322156.2); c.1547C>G, p.Thr516Arg (NM_001322157.3, NM_001322165.2, NM_003205.4 and 1 more transcripts); c.1373C>G, p.Thr458Arg (NM_001322158.2); c.1616C>G, p.Thr539Arg (NM_001322161.2); and 2 more; short protein forms T280R, T321R, T346R, T370R, T458R, T482R, T516R, T528R.
Identifiers: ClinVar variation 3368965 (VCV003368965.1).